The following is an entry in ClinVar:

ClinVar aggregate classification (germline): Uncertain significance. Review status: criteria provided, multiple submitters, no conflicts (2 of 4 stars). 2 submissions from 2 submitters: Uncertain significance (2). Last evaluated 2024-11-24.

Conditions:
Inborn genetic diseases. Identifiers: MedGen C0950123, MeSH D030342.

Submissions (2):

Ambry Genetics
Classification: Uncertain significance for Inborn genetic diseases. Last evaluated: 2024-11-24. Review status: criteria provided, single submitter. Criteria: Ambry Variant Classification Scheme 2023. Collection method: clinical testing. Allele origin: germline.

Labcorp Genetics (formerly Invitae), Labcorp
Classification: Uncertain significance. Last evaluated: 2024-11-16. Review status: criteria provided, single submitter. Criteria: Invitae Variant Classification Sherloc (09022015). Collection method: clinical testing. Allele origin: germline.
Comment: This sequence change replaces histidine, which is basic and polar, with aspartic acid, which is acidic and polar, at codon 771 of the EMC1 protein (p.His771Asp). This variant is not present in population databases (gnomAD no frequency). This variant has not been reported in the literature in individuals affected with EMC1-related conditions. Invitae Evidence Modeling of protein sequence and biophysical properties (such as structural, functional, and spatial information, amino acid conservation, physicochemical variation, residue mobility, and thermodynamic stability) indicates that this missense variant is expected to disrupt EMC1 protein function with a positive predictive value of 80%. In summary, the available evidence is currently insufficient to determine the role of this variant in disease. Therefore, it has been classified as a Variant of Uncertain Significance.

NM_015047.3(EMC1):c.2311C>G (p.His771Asp)

Genes: EMC1 (ER membrane protein complex subunit 1; minus strand), EMC1-AS1 (EMC1 antisense RNA 1; plus strand). Cytogenetic location: 1p36.13.
Variant type: single nucleotide variant.
Coding change: c.2311C>G on transcript NM_015047.3 (MANE Select); coding-DNA position 2311, C replaced by G.
Protein change: p.His771Asp; replaces histidine 771 with aspartic acid.
Molecular consequence: missense variant.
Genome position (GRCh38, 1-based): chr1:19,223,461, G>C on the plus strand (C>G on the coding strand, the complement: EMC1 is on the minus strand). VCF-style: chr1-19223461-G-C. GRCh37 (hg19) VCF-style: chr1-19549955-G-C.
Other names: c.2320C>G, p.His774Asp (NM_001375820.1); c.2317C>G, p.His773Asp (NM_001375821.1); c.2308C>G, p.His770Asp (NM_001271427.2, NM_001271428.2); c.2245C>G, p.His749Asp (NM_001271429.2); short protein forms H749D, H773D, H774D, H771D, H770D.
Identifiers: ClinVar variation 3508139 (VCV003508139.3).